The following is an entry in ClinVar:

ClinVar aggregate classification (germline): Uncertain significance. Review status: criteria provided, single submitter (1 of 4 stars). 2 submissions from 2 submitters: Uncertain significance (1). 1 of the submissions does not count toward it. Last evaluated 2022-02-13.

Conditions:
Inflammatory bowel disease 13 (IBD13). Also called: Inflammatory bowel disease 13, susceptibility to. Identifiers: MedGen C2677101, MONDO:0012831, OMIM 612244.
Tramadol response. Also called: Ultram response. Identifiers: MedGen CN078023.

Allele frequency attached by ClinVar (database versions not stated): TOPMed 0.00001.
gnomAD v4.1: 17 of 1,613,914 alleles (0.0011%); highest among the groups gnomAD compares: African/African-American, 0.004%; no homozygotes.

Submissions (2):

Johns Hopkins Genomics, Johns Hopkins University
Classification: Uncertain significance for Inflammatory bowel disease 13. Last evaluated: 2022-02-13. Review status: criteria provided, single submitter. Criteria: ACMG Guidelines, 2015. Collection method: clinical testing. Allele origin: germline.
Comment: This ABCB1 variant (rs199676098) is rare (<0.1%) in a large population dataset (gnomAD: 3/251376 total alleles; 0.001%; no homozygotes) and has an entry in ClinVar. It is reported to have an effect on opiate metabolism, but is not among the variants associated with IBD13. Three bioinformatic tools queried predict that this substitution would be damaging, and the arginine residue at this position is evolutionarily conserved across most vertebrate species assessed. This variant is not predicted to affect normal exon 28 splicing, although this has not been confirmed experimentally to our knowledge. Due to insufficient evidence, we consider the clinical significance of c.3547C>T to be uncertain at this time.

Bruce Budowle Laboratory, University of North Texas Health Science Center
Classification: drug response for Tramadol response. Last evaluated: 2018-04-28. Review status: no assertion criteria provided. Collection method: research. Allele origin: somatic. Affected: yes. Observed: 183 variant alleles. Not counted in ClinVar's aggregate classification.

Literature cited by the submitters: PubMed 14610718 (cited by Johns Hopkins Genomics, Johns Hopkins University); PubMed 16434479 (cited by Johns Hopkins Genomics, Johns Hopkins University); PubMed 9820555 (cited by Johns Hopkins Genomics, Johns Hopkins University).

NM_001348946.2(ABCB1):c.3547C>T (p.Arg1183Cys)

Gene: ABCB1 (ATP binding cassette subfamily B member 1; minus strand). Cytogenetic location: 7q21.12.
Variant type: single nucleotide variant.
Coding change: c.3547C>T on transcript NM_001348946.2 (MANE Select); coding-DNA position 3547, C replaced by T.
Protein change: p.Arg1183Cys; replaces arginine 1183 with cysteine.
Molecular consequence: missense variant.
Genome position (GRCh38, 1-based): chr7:87,505,986, G>A on the plus strand (C>T on the coding strand, the complement: ABCB1 is on the minus strand). VCF-style: chr7-87505986-G-A. GRCh37 (hg19) VCF-style: chr7-87135302-G-A.
Other names: c.3547C>T, p.Arg1183Cys (NM_000927.5, NM_001348944.2); c.3757C>T, p.Arg1253Cys (NM_001348945.2); short protein forms R1253C, R1183C.
Identifiers: ClinVar variation 828775 (VCV000828775.3), dbSNP rs199676098, ClinGen allele CA4327737.